The following is an entry in ClinVar:

NM_001395413.1(POR):c.1613dup (p.Pro539fs)

Gene: POR (cytochrome p450 oxidoreductase; plus strand). Cytogenetic location: 7q11.23.
Variant type: Duplication.
Coding change: c.1613dup on transcript NM_001395413.1 (MANE Select); coding-DNA position 1613, one base duplicated (C; older notation c.1613dupC).
Protein change: p.Pro539fs; shifts the reading frame from proline 539.
Molecular consequence: frameshift variant.
Genome position (GRCh38, 1-based): chr7:75,985,802, C duplicated. VCF-style (leftmost placement, unchanged base first): chr7-75985801-G-GC. GRCh37 (hg19) VCF-style: chr7-75615119-G-GC.
Other names: c.1622dup, p.Pro542Thrfs (NM_000941.2, NM_000941.3); c.1613dup, p.Pro539fs (NM_001367562.3, NM_001382657.2, NM_001382658.3 and 1 more transcripts); c.1667dup, p.Pro557fs (NM_001382655.3); c.1463dup, p.Pro489fs (NM_001382662.3); short protein forms P489fs, P539fs, P557fs.
Identifiers: ClinVar variation 2735035 (VCV002735035.3), dbSNP rs1563435595, ClinGen allele CA456331187.

ClinVar aggregate classification (germline): Pathogenic (1 of 4 stars; one submission).

Conditions:
Congenital adrenal hyperplasia due to cytochrome P450 oxidoreductase deficiency. Also called: DISORDERED STEROIDOGENESIS DUE TO POR DEFICIENCY. Identifiers: Orphanet 95699, MedGen C1860042, MONDO:0013310, OMIM 613571.

Allele frequency attached by ClinVar (database versions not stated): gnomAD exomes 0.00001.

Submission:

Labcorp Genetics (formerly Invitae), Labcorp
Classification: Pathogenic for Congenital adrenal hyperplasia due to cytochrome P450 oxidoreductase deficiency. Last evaluated: 2023-01-24. Review status: criteria provided, single submitter. Criteria: Invitae Variant Classification Sherloc (09022015). Collection method: clinical testing. Allele origin: germline.
Comment: For these reasons, this variant has been classified as Pathogenic. This variant is also known as 1621-1622insC; frame 5. This premature translational stop signal has been observed in individual(s) with clinical features of POR deficiency (PMID: 15793702). This variant is present in population databases (no rsID available, gnomAD 0.003%). This sequence change creates a premature translational stop signal (p.Pro542Thrfs*33) in the POR gene. It is expected to result in an absent or disrupted protein product. Loss-of-function variants in POR are known to be pathogenic (PMID: 14758361, 20732302, 21741353).

Literature cited by the submitters: PubMed 15793702; PubMed 14758361; PubMed 20732302; PubMed 21741353.